The following is an entry in ClinVar:

ClinVar aggregate classification (germline): Uncertain significance (1 of 4 stars; one submission).

Conditions:
BVES-related disorder. Also called: BVES-related condition.

Allele frequency attached by ClinVar (database versions not stated): gnomAD exomes below 0.00001.
gnomAD v4.1: 1 of 1,613,846 alleles (0.000062%); highest among the groups gnomAD compares: Non-Finnish European, 0.000085%; no homozygotes.

Submission:

PreventionGenetics, part of Exact Sciences
Classification: Uncertain significance for BVES-related condition. Last evaluated: 2023-10-10. Review status: criteria provided, single submitter. Criteria: ACMG Guidelines, 2015. Collection method: clinical testing. Allele origin: germline.
Comment: The BVES c.845G>A variant is predicted to result in the amino acid substitution p.Ser282Asn. To our knowledge, this variant has not been reported in the literature or in a large population database, indicating this variant is rare. At this time, the clinical significance of this variant is uncertain due to the absence of conclusive functional and genetic evidence.

NM_001199563.2(POPDC1):c.845G>A (p.Ser282Asn)

Gene: POPDC1 (popeye domain cAMP effector 1; minus strand). Cytogenetic location: 6q21.
Variant type: single nucleotide variant.
Coding change: c.845G>A on transcript NM_001199563.2 (MANE Select); coding-DNA position 845, G replaced by A.
Protein change: p.Ser282Asn; replaces serine 282 with asparagine.
Molecular consequence: missense variant.
Genome position (GRCh38, 1-based): chr6:105,115,799, C>T on the plus strand (G>A on the coding strand, the complement: POPDC1 is on the minus strand). VCF-style: chr6-105115799-C-T. GRCh37 (hg19) VCF-style: chr6-105563674-C-T.
Other names: c.845G>A, p.Ser282Asn (NM_007073.4, NM_147147.4); short protein forms S282N.
Identifiers: ClinVar variation 2633989 (VCV002633989.1), dbSNP rs2533526376, ClinGen allele CA365317083.